The following is an entry in ClinVar:

NM_001042492.3(NF1):c.7662T>G (p.Pro2554=)

Gene: NF1 (neurofibromin 1; plus strand). Cytogenetic location: 17q11.2.
Variant type: single nucleotide variant.
Coding change: c.7662T>G on transcript NM_001042492.3 (MANE Select); coding-DNA position 7662, T replaced by G.
Protein change: p.Pro2554=; no amino-acid change (proline 2554 retained).
Molecular consequence: synonymous variant.
Genome position (GRCh38, 1-based): chr17:31,356,506, T>G. VCF-style: chr17-31356506-T-G. GRCh37 (hg19) VCF-style: chr17-29683524-T-G.
Other names: c.7599T>G, p.Pro2533= (NM_000267.4).
Identifiers: ClinVar variation 4535014 (VCV004535014.6).

ClinVar aggregate classification (germline): Uncertain significance (1 of 4 stars; one submission).

Submission:

CeGaT Center for Human Genetics Tuebingen
Classification: Uncertain significance. Last evaluated: 2025-10-01. Review status: criteria provided, single submitter. Criteria: CeGaT Center For Human Genetics Tuebingen Variant Classification Criteria Version 2. Collection method: clinical testing. Allele origin: germline. Affected: yes. Observed: 1 variant allele.
Comment: NF1: PM2:Supporting, BP4